The following is an entry in ClinVar:

ClinVar aggregate classification (germline): Uncertain significance (1 of 4 stars; one submission).

Conditions:
Cardiovascular phenotype. Identifiers: MedGen CN230736.

Allele frequency attached by ClinVar (database versions not stated): gnomAD exomes below 0.00001.
gnomAD v4.1: 2 of 1,609,602 alleles (0.00012%); highest among the groups gnomAD compares: African/African-American, 0.0027%; no homozygotes.

Submission:

Ambry Genetics
Classification: Uncertain significance for Cardiovascular phenotype. Last evaluated: 2022-08-27. Review status: criteria provided, single submitter. Criteria: Ambry Variant Classification Scheme 2023. Collection method: clinical testing. Allele origin: germline.
Comment: The p.R320H variant (also known as c.959G>A), located in coding exon 2 of the TNXB gene, results from a G to A substitution at nucleotide position 959. The arginine at codon 320 is replaced by histidine, an amino acid with highly similar properties. This amino acid position is conserved. In addition, this alteration is predicted to be tolerated by in silico analysis. Since supporting evidence is limited at this time, the clinical significance of this alteration remains unclear.

NM_001365276.2(TNXB):c.959G>A (p.Arg320His)

Gene: TNXB (tenascin XB; minus strand). Cytogenetic location: 6p21.33.
Variant type: single nucleotide variant.
Coding change: c.959G>A on transcript NM_001365276.2 (MANE Select); coding-DNA position 959, G replaced by A.
Protein change: p.Arg320His; replaces arginine 320 with histidine.
Molecular consequence: missense variant.
Genome position (GRCh38, 1-based): chr6:32,096,894, C>T on the plus strand (G>A on the coding strand, the complement: TNXB is on the minus strand). VCF-style: chr6-32096894-C-T. GRCh37 (hg19) VCF-style: chr6-32064671-C-T.
Other names: c.959G>A, p.Arg320His (NM_019105.8); short protein forms R320H.
Identifiers: ClinVar variation 1767503 (VCV001767503.2), dbSNP rs2483762842, ClinGen allele CA363484533.